The following is an entry in ClinVar:

ClinVar aggregate classification (germline): Pathogenic (1 of 4 stars; one submission).

Conditions:
Oligodontia-cancer predisposition syndrome. Also called: TOOTH AGENESIS-COLORECTAL CANCER SYNDROME. Identifiers: Orphanet 300576, MedGen C1837750, MONDO:0012075, OMIM 608615. Disease mechanism: loss of function.

Submission:

Labcorp Genetics (formerly Invitae), Labcorp
Classification: Pathogenic for Oligodontia-cancer predisposition syndrome. Last evaluated: 2021-10-03. Review status: criteria provided, single submitter. Criteria: Invitae Variant Classification Sherloc (09022015). Collection method: clinical testing. Allele origin: germline.
Comment: For these reasons, this variant has been classified as Pathogenic. This variant has not been reported in the literature in individuals affected with AXIN2-related conditions. This variant is not present in population databases (ExAC no frequency). This sequence change creates a premature translational stop signal (p.His540Leufs*78) in the AXIN2 gene. It is expected to result in an absent or disrupted protein product. Loss-of-function variants in AXIN2 are known to be pathogenic (PMID: 15042511, 21416598).

Literature cited by the submitters: PubMed 15042511; PubMed 21416598.

NM_004655.4(AXIN2):c.1614_1642del (p.His540fs)

Gene: AXIN2 (axin 2; minus strand). Cytogenetic location: 17q24.1.
Variant type: Deletion.
Coding change: c.1614_1642del on transcript NM_004655.4 (MANE Select); coding-DNA positions 1614 to 1642, 29 bases deleted (GGTGCACTGCTTCTGCCCTGGGGGCAGCG).
Protein change: p.His540fs; shifts the reading frame from histidine 540.
Molecular consequence: frameshift variant.
Genome position (GRCh38, 1-based): chr17:65,537,394-65,537,422, CGCTGCCCCCAGGGCAGAAGCAGTGCACC deleted on the plus strand (GGTGCACTGCTTCTGCCCTGGGGGCAGCG on the coding strand, the reverse complement: AXIN2 is on the minus strand); deleting any 29 consecutive bases within chr17:65,537,394-65,537,428 gives the same sequence; the c. name uses the placement nearest the transcript's 3' end. VCF-style (leftmost placement, unchanged base first): chr17-65537393-TCGCTGCCCCCAGGGCAGAAGCAGTGCACC-T. GRCh37 (hg19) VCF-style: chr17-63533511-TCGCTGCCCCCAGGGCAGAAGCAGTGCACC-T.
Other names: c.1614_1642del, p.His540fs (NM_001363813.1); short protein forms H540fs.
Identifiers: ClinVar variation 1456377 (VCV001456377.6), dbSNP rs2144457222, ClinGen allele CA2573154684.